The following is an entry in ClinVar:

NM_019842.4(KCNQ5):c.2775C>A (p.Ser925Arg)

Gene: KCNQ5 (potassium voltage-gated channel subfamily Q member 5; plus strand). Cytogenetic location: 6q13.
Variant type: single nucleotide variant.
Coding change: c.2775C>A on transcript NM_019842.4 (MANE Select); coding-DNA position 2775, C replaced by A.
Protein change: p.Ser925Arg; replaces serine 925 with arginine.
Molecular consequence: missense variant.
Genome position (GRCh38, 1-based): chr6:73,195,390, C>A. VCF-style: chr6-73195390-C-A. GRCh37 (hg19) VCF-style: chr6-73905113-C-A.
Other names: c.2748C>A, p.Ser916Arg (NM_001160130.2); c.2805C>A, p.Ser935Arg (NM_001160132.2); c.2832C>A, p.Ser944Arg (NM_001160133.2); c.2445C>A, p.Ser815Arg (NM_001160134.2); short protein forms S815R, S916R, S925R, S935R, S944R.
Identifiers: ClinVar variation 2663965 (VCV002663965.1), dbSNP rs1582521714, ClinGen allele CA364697552.

ClinVar aggregate classification (germline): Uncertain significance (1 of 4 stars; one submission).

Conditions:
Intellectual developmental disorder, autosomal dominant 46. Also called: Intellectual disability, autosomal dominant 46; MENTAL RETARDATION, AUTOSOMAL DOMINANT 46. Identifiers: MedGen C4539851, MONDO:0030911, OMIM 617601.

Submission:

Neuberg Centre For Genomic Medicine, NCGM
Classification: Uncertain significance for Intellectual developmental disorder, autosomal dominant 46. Review status: criteria provided, single submitter. Criteria: ACMG Guidelines, 2015. Collection method: clinical testing. Allele origin: germline. Inheritance: Autosomal dominant inheritance. Affected: yes.
Comment: The missense c.2775C>A(p.Ser925Arg) variant in KCNQ5 gene has not been reported previously as a pathogenic variant nor a benign variant, to our knowledge. The p.Ser925Arg variant is novel (not in any individuals) in both gnomAD Exomes and 1000 Genomes databases. This variant has not been reported to the ClinVar database. The amino acid change p.Ser925Arg in KCNQ5 is predicted as conserved by GERP++ and PhyloP across 100 vertebrates. The amino acid Ser at position 925 is changed to a Arg changing protein sequence and it might alter its composition and physico-chemical properties. For these reasons, this variant has been classified as a Variant of Uncertain Signifdicance (VUS).